The following is an entry in ClinVar:

NM_014889.4(PITRM1):c.1255G>A (p.Gly419Arg)

Gene: PITRM1 (pitrilysin metallopeptidase 1; minus strand). Cytogenetic location: 10p15.2.
Variant type: single nucleotide variant.
Coding change: c.1255G>A on transcript NM_014889.4 (MANE Select); coding-DNA position 1255, G replaced by A.
Protein change: p.Gly419Arg; replaces glycine 419 with arginine.
Molecular consequence: missense variant. On other transcripts: 5 prime UTR variant (1), non-coding transcript variant (4).
Genome position (GRCh38, 1-based): chr10:3,157,527, C>T on the plus strand (G>A on the coding strand, the complement: PITRM1 is on the minus strand). VCF-style: chr10-3157527-C-T. GRCh37 (hg19) VCF-style: chr10-3199719-C-T.
Other names: c.1255G>A (NM_001242307.1); c.1255G>A, p.Gly419Arg (NM_001242307.2, NM_001347725.2); c.1159G>A, p.Gly387Arg (NM_001242309.1); c.640G>A, p.Gly214Arg (NM_001347726.2, NM_001347727.2); c.-51G>A (NM_001347728.2); c.1231G>A, p.Gly411Arg (NM_001347729.1, NM_001347730.1); short protein forms G411R, G214R, G419R, G387R.
Identifiers: ClinVar variation 2171012 (VCV002171012.5), dbSNP rs561396436, ClinGen allele CA5387859.

ClinVar aggregate classification (germline): Uncertain significance. Review status: criteria provided, multiple submitters, no conflicts (2 of 4 stars). 2 submissions from 2 submitters: Uncertain significance (2). Last evaluated 2024-01-24.

Allele frequency attached by ClinVar (database versions not stated): TOPMed 0.00001; gnomAD 0.00003; 1000 Genomes Project 30x 0.00016; ExAC 0.00019; 1000 Genomes Project 0.00020.
gnomAD v4.1: 142 of 1,583,556 alleles (0.009%); highest among the groups gnomAD compares: South Asian, 0.15%; 1 homozygote.

Submissions (2):

Ambry Genetics
Classification: Uncertain significance. Last evaluated: 2024-01-24. Review status: criteria provided, single submitter. Criteria: Ambry Variant Classification Scheme 2023. Collection method: clinical testing. Allele origin: germline.

Labcorp Genetics (formerly Invitae), Labcorp
Classification: Uncertain significance. Last evaluated: 2021-12-29. Review status: criteria provided, single submitter. Criteria: Invitae Variant Classification Sherloc (09022015). Collection method: clinical testing. Allele origin: germline.
Comment: In summary, the available evidence is currently insufficient to determine the role of this variant in disease. Therefore, it has been classified as a Variant of Uncertain Significance. Algorithms developed to predict the effect of missense changes on protein structure and function are either unavailable or do not agree on the potential impact of this missense change (SIFT: "Deleterious"; PolyPhen-2: "Probably Damaging"; Align-GVGD: "Class C0"). This variant has not been reported in the literature in individuals affected with PITRM1-related conditions. This variant is present in population databases (rs561396436, gnomAD 0.2%). This sequence change replaces glycine, which is neutral and non-polar, with arginine, which is basic and polar, at codon 387 of the PITRM1 protein (p.Gly387Arg).